The following is an entry in ClinVar:

ClinVar aggregate classification (germline): Uncertain significance (1 of 4 stars; one submission).

Conditions:
Hereditary cancer-predisposing syndrome. Also called: Neoplastic Syndromes, Hereditary; Tumor predisposition; Hereditary Cancer Syndrome; Hereditary neoplastic syndrome. Identifiers: Orphanet 140162, MedGen C0027672, MeSH D009386, MONDO:0015356.

Allele frequency attached by ClinVar (database versions not stated): gnomAD exomes below 0.00001; TOPMed below 0.00001; gnomAD 0.00001.
gnomAD v4.1: 2 of 1,613,748 alleles (0.00012%); highest among the groups gnomAD compares: South Asian, 0.0011%; no homozygotes.

Submission:

Ambry Genetics
Classification: Uncertain significance for Hereditary cancer-predisposing syndrome. Last evaluated: 2022-07-27. Review status: criteria provided, single submitter. Criteria: Ambry Variant Classification Scheme 2023. Collection method: clinical testing. Allele origin: germline.
Comment: The p.T3I variant (also known as c.8C>T), located in coding exon 1 of the MRE11A gene, results from a C to T substitution at nucleotide position 8. The threonine at codon 3 is replaced by isoleucine, an amino acid with similar properties. This amino acid position is poorly conserved in available vertebrate species. In addition, this alteration is predicted to be tolerated by in silico analysis. Since supporting evidence is limited at this time, the clinical significance of this alteration remains unclear.

NM_005591.4(MRE11):c.8C>T (p.Thr3Ile)

Gene: MRE11 (MRE11 double strand break repair nuclease; minus strand). Cytogenetic location: 11q21.
Variant type: single nucleotide variant.
Coding change: c.8C>T on transcript NM_005591.4 (MANE Select); coding-DNA position 8, C replaced by T.
Protein change: p.Thr3Ile; replaces threonine 3 with isoleucine.
Molecular consequence: missense variant.
Genome position (GRCh38, 1-based): chr11:94,492,794, G>A on the plus strand (C>T on the coding strand, the complement: MRE11 is on the minus strand). VCF-style: chr11-94492794-G-A. GRCh37 (hg19) VCF-style: chr11-94225960-G-A.
Other names: c.8C>T, p.Thr3Ile (NM_001330347.2, NM_005590.4); short protein forms T3I.
Identifiers: ClinVar variation 1800206 (VCV001800206.2), dbSNP rs1461466405, ClinGen allele CA382381594.